The following is an entry in ClinVar:

NM_001012614.2(CTBP1):c.1246G>A (p.Val416Ile)

Genes: CTBP1 (C-terminal binding protein 1; minus strand), CTBP1-AS (CTBP1 antisense RNA; plus strand). Cytogenetic location: 4p16.3.
Variant type: single nucleotide variant.
Coding change: c.1246G>A on transcript NM_001012614.2 (MANE Select); coding-DNA position 1246, G replaced by A.
Protein change: p.Val416Ile; replaces valine 416 with isoleucine.
Molecular consequence: missense variant. On other transcripts: non-coding transcript variant (1).
Genome position (GRCh38, 1-based): chr4:1,212,284, C>T on the plus strand (G>A on the coding strand, the complement: CTBP1 is on the minus strand). VCF-style: chr4-1212284-C-T. GRCh37 (hg19) VCF-style: chr4-1206072-C-T.
Other names: c.1279G>A, p.Val427Ile (NM_001328.3); c.1282G>A, p.Val428Ile (NM_001377186.1); c.1249G>A, p.Val417Ile (NM_001377187.1, NM_001377188.1, NM_001377189.1 and 1 more transcripts); c.1246G>A, p.Val416Ile (NM_001377191.1, NM_001377192.1, NM_001377193.1); short protein forms V416I, V417I, V427I, V428I.
Identifiers: ClinVar variation 2440596 (VCV002440596.28), dbSNP rs748609943, ClinGen allele CA2804144.

ClinVar aggregate classification (germline): Uncertain significance. Review status: criteria provided, multiple submitters, no conflicts (2 of 4 stars). 3 submissions from 3 submitters: Uncertain significance (3). Last evaluated 2025-03-03.

Conditions:
Hypotonia, ataxia, developmental delay, and tooth enamel defect syndrome. Identifiers: MedGen C4693578, MONDO:0060666, OMIM 617915.

Allele frequency attached by ClinVar (database versions not stated): ExAC 0.00004; gnomAD 0.00008; gnomAD exomes 0.00009.
gnomAD v4.1: 85 of 1,008,162 alleles (0.0084%); highest among the groups gnomAD compares: East Asian, 0.12%; no homozygotes.

Submissions (3):

Revvity Omics, Revvity
Classification: Uncertain significance for Hypotonia, ataxia, developmental delay, and tooth enamel defect syndrome. Last evaluated: 2025-03-03. Review status: criteria provided, single submitter. Criteria: ACMG Guidelines, 2015. Collection method: clinical testing. Allele origin: germline.

Labcorp Genetics (formerly Invitae), Labcorp
Classification: Uncertain significance. Last evaluated: 2024-08-09. Review status: criteria provided, single submitter. Criteria: Invitae Variant Classification Sherloc (09022015). Collection method: clinical testing. Allele origin: germline.
Comment: This sequence change replaces valine, which is neutral and non-polar, with isoleucine, which is neutral and non-polar, at codon 427 of the CTBP1 protein (p.Val427Ile). The frequency data for this variant in the population databases is considered unreliable, as metrics indicate poor data quality at this position in the gnomAD database. This variant has not been reported in the literature in individuals affected with CTBP1-related conditions. ClinVar contains an entry for this variant (Variation ID: 2440596). An algorithm developed to predict the effect of missense changes on protein structure and function (PolyPhen-2) suggests that this variant is likely to be tolerated. In summary, the available evidence is currently insufficient to determine the role of this variant in disease. Therefore, it has been classified as a Variant of Uncertain Significance.

CeGaT Center for Human Genetics Tuebingen
Classification: Uncertain significance. Last evaluated: 2023-11-01. Review status: criteria provided, single submitter. Criteria: CeGaT Center For Human Genetics Tuebingen Variant Classification Criteria Version 2. Collection method: clinical testing. Allele origin: germline. Affected: yes. Observed: 1 variant allele.